The following is an entry in ClinVar:

ClinVar aggregate classification (germline): Likely pathogenic (1 of 4 stars; one submission).

Conditions:
Intellectual developmental disorder, autosomal dominant 55, with seizures. Also called: MENTAL RETARDATION, AUTOSOMAL DOMINANT 55, WITH SEIZURES; Intellectual disability, autosomal dominant 55, with seizures. Identifiers: MedGen C4693371, MONDO:0030921, OMIM 617831.

Submission:

MVZ Medizinische Genetik Mainz
Classification: Likely pathogenic for Intellectual developmental disorder, autosomal dominant 55, with seizures. Last evaluated: 2023-10-20. Review status: criteria provided, single submitter. Criteria: UK Practice Guidelines For Variant Classification V4 01 2020. Collection method: clinical testing. Allele origin: germline. Inheritance: Autosomal dominant inheritance. Affected: yes. Observed: 1 variant allele.
Comment: ACMG Criteria: PVS1,PM2_SUP

NM_138459.5(NUS1):c.792-2A>G

Gene: NUS1 (NUS1 dehydrodolichyl diphosphate synthase subunit; plus strand). Cytogenetic location: 6q22.1.
Variant type: single nucleotide variant.
Coding change: c.792-2A>G on transcript NM_138459.5 (MANE Select); the canonical splice acceptor site of the intron before coding-DNA position 792, A replaced by G.
Molecular consequence: splice acceptor variant.
Genome position (GRCh38, 1-based): chr6:117,706,923, A>G. VCF-style: chr6-117706923-A-G. GRCh37 (hg19) VCF-style: chr6-118028086-A-G.
Identifiers: ClinVar variation 3236093 (VCV003236093.1), dbSNP rs2482037745, ClinGen allele CA365537484.